The following is an entry in ClinVar:

ClinVar aggregate classification (germline): Uncertain significance (1 of 4 stars; one submission).

Submission:

Labcorp Genetics (formerly Invitae), Labcorp
Classification: Uncertain significance. Last evaluated: 2020-08-07. Review status: criteria provided, single submitter. Criteria: Invitae Variant Classification Sherloc (09022015). Collection method: clinical testing. Allele origin: germline.
Comment: In summary, the available evidence is currently insufficient to determine the role of this variant in disease. Therefore, it has been classified as a Variant of Uncertain Significance. Nucleotide substitutions within the consensus splice site are a relatively common cause of aberrant splicing (PMID: 17576681, 9536098). Algorithms developed to predict the effect of sequence changes on RNA splicing suggest that this variant may disrupt the consensus splice site, but this prediction has not been confirmed by published transcriptional studies. This variant has not been reported in the literature in individuals with IDH3B-related conditions. This variant is not present in population databases (ExAC no frequency). This sequence change affects codon 39 of the IDH3B mRNA. It is a 'silent' change, meaning that it does not change the encoded amino acid sequence of the IDH3B protein. This variant also falls at the last nucleotide of exon 2 of the IDH3B coding sequence, which is part of the consensus splice site for this exon.

Literature cited by the submitters: PubMed 17576681; PubMed 9536098.

NM_006899.5(IDH3B):c.117G>A (p.Gln39=)

Gene: IDH3B (isocitrate dehydrogenase (NAD(+)) 3 non-catalytic subunit beta; minus strand). Cytogenetic location: 20p13.
Variant type: single nucleotide variant.
Coding change: c.117G>A on transcript NM_006899.5 (MANE Select); coding-DNA position 117, G replaced by A.
Protein change: p.Gln39=; no amino-acid change (glutamine 39 retained).
Molecular consequence: synonymous variant. On other transcripts: non-coding transcript variant (1).
Genome position (GRCh38, 1-based): chr20:2,663,925, C>T on the plus strand (G>A on the coding strand, the complement: IDH3B is on the minus strand). VCF-style: chr20-2663925-C-T. GRCh37 (hg19) VCF-style: chr20-2644571-C-T.
Other names: c.117G>A, p.Gln39= (NM_001258384.3, NM_001330763.2, NM_174855.4).
Identifiers: ClinVar variation 1038010 (VCV001038010.7), dbSNP rs2086997869, ClinGen allele CA509550435.
Genomic context (GRCh38, chr20:2,663,925, plus strand): 5'-GAGGGAGCAGCGAGGAAGGGACAGGGTCGTAAGAGAGACCCCAGCCAGATTCGTGCATAC[C>T]TGGCTCCGCGATGCAGCGTGCGCCGCGGCCGAGGTACTCAGACCTCTCCATGCCCCAGGG-3'
Protein context (NP_008830.2, residues 29-49): SAAAHAASRS[Gln39=]AEDVRVEGSF